The following is an entry in ClinVar:

NM_001364905.1(LRBA):c.4462-4A>G

Gene: LRBA (LPS responsive beige-like anchor protein; minus strand). Cytogenetic location: 4q31.3.
Variant type: single nucleotide variant.
Coding change: c.4462-4A>G on transcript NM_001364905.1 (MANE Select); 4 bases into the intron before coding-DNA position 4462, A replaced by G.
Molecular consequence: intron variant.
Genome position (GRCh38, 1-based): chr4:150,844,211, T>C on the plus strand (A>G on the coding strand, the complement: LRBA is on the minus strand). VCF-style: chr4-150844211-T-C. GRCh37 (hg19) VCF-style: chr4-151765363-T-C.
Other names: c.4462-4A>G (NM_001367550.1, NM_006726.5, NM_001199282.3 and 2 more transcripts).
Identifiers: ClinVar variation 2005915 (VCV002005915.4), dbSNP rs778228795, ClinGen allele CA3102749.
Genomic context (GRCh38, chr4:150,844,211, plus strand): 5'-AAGCCTGTCAAGATCTCTTACTGGAGATATACCGCCAGTCACAATGTCCACTGGGCTCTA[T>C]TTAAGATTAAAAAAAAATTGTATATATATATATTCATATATACATTACACAGATATTCTT-3'

ClinVar aggregate classification (germline): Uncertain significance (1 of 4 stars; one submission).

Conditions:
Combined immunodeficiency due to LRBA deficiency. Also called: Common variable immunodeficiency 8, with autoimmunity. Identifiers: Orphanet 445018, MedGen C3553512, MONDO:0013863, OMIM 614700.

Allele frequency attached by ClinVar (database versions not stated): gnomAD exomes below 0.00001; TOPMed below 0.00001; ExAC 0.00001.
gnomAD v4.1: 3 of 1,523,548 alleles (0.0002%); highest among the groups gnomAD compares: Non-Finnish European, 0.00027%; no homozygotes.

Submission:

Labcorp Genetics (formerly Invitae), Labcorp
Classification: Uncertain significance for Combined immunodeficiency due to LRBA deficiency. Last evaluated: 2023-12-11. Review status: criteria provided, single submitter. Criteria: Invitae Variant Classification Sherloc (09022015). Collection method: clinical testing. Allele origin: germline.
Comment: This sequence change falls in intron 27 of the LRBA gene. It does not directly change the encoded amino acid sequence of the LRBA protein. This variant is present in population databases (rs778228795, gnomAD 0.0009%). This variant has not been reported in the literature in individuals affected with LRBA-related conditions. ClinVar contains an entry for this variant (Variation ID: 2005915). Algorithms developed to predict the effect of sequence changes on RNA splicing suggest that this variant may disrupt the consensus splice site. In summary, the available evidence is currently insufficient to determine the role of this variant in disease. Therefore, it has been classified as a Variant of Uncertain Significance.